The following is an entry in ClinVar:

NM_020944.3(GBA2):c.1988A>T (p.Asp663Val)

Gene: GBA2 (glucosylceramidase beta 2; minus strand). Cytogenetic location: 9p13.3.
Variant type: single nucleotide variant.
Coding change: c.1988A>T on transcript NM_020944.3 (MANE Select); coding-DNA position 1988, A replaced by T.
Protein change: p.Asp663Val; replaces aspartic acid 663 with valine.
Molecular consequence: missense variant.
Genome position (GRCh38, 1-based): chr9:35,738,592, T>A on the plus strand (A>T on the coding strand, the complement: GBA2 is on the minus strand). VCF-style: chr9-35738592-T-A. GRCh37 (hg19) VCF-style: chr9-35738589-T-A.
Other names: c.1988A>T, p.Asp663Val (NM_001330660.2); short protein forms D663V.
Identifiers: ClinVar variation 948137 (VCV000948137.10), dbSNP rs542233713, ClinGen allele CA5050222.

ClinVar aggregate classification (germline): Uncertain significance. Review status: criteria provided, multiple submitters, no conflicts (2 of 4 stars). 2 submissions from 2 submitters: Uncertain significance (2). Last evaluated 2024-08-14.

Conditions:
Spastic paraplegia. Identifiers: MedGen C0037772, HP:0001258.
Inborn genetic diseases. Identifiers: MedGen C0950123, MeSH D030342.

Allele frequency attached by ClinVar (database versions not stated): gnomAD exomes 0.00002 and 0.00004.

Submissions (2):

Ambry Genetics
Classification: Uncertain significance for Inborn genetic diseases. Last evaluated: 2024-08-14. Review status: criteria provided, single submitter. Criteria: Ambry Variant Classification Scheme 2023. Collection method: clinical testing. Allele origin: germline.

Labcorp Genetics (formerly Invitae), Labcorp
Classification: Uncertain significance for Spastic paraplegia. Last evaluated: 2019-06-05. Review status: criteria provided, single submitter. Criteria: Invitae Variant Classification Sherloc (09022015). Collection method: clinical testing. Allele origin: germline.
Comment: This sequence change replaces aspartic acid with valine at codon 663 of the GBA2 protein (p.Asp663Val). The aspartic acid residue is highly conserved and there is a large physicochemical difference between aspartic acid and valine. This variant is present in population databases (rs542233713, ExAC 0.004%). This variant has not been reported in the literature in individuals with GBA2-related conditions. Algorithms developed to predict the effect of missense changes on protein structure and function (SIFT, PolyPhen-2, Align-GVGD) all suggest that this variant is likely to be disruptive, but these predictions have not been confirmed by published functional studies and their clinical significance is uncertain. In summary, the available evidence is currently insufficient to determine the role of this variant in disease. Therefore, it has been classified as a Variant of Uncertain Significance.